The following is an entry in ClinVar:

NM_020975.6(RET):c.2731-11C>T

Gene: RET (ret proto-oncogene; plus strand). Cytogenetic location: 10q11.21.
Variant type: single nucleotide variant.
Coding change: c.2731-11C>T on transcript NM_020975.6 (MANE Select); 11 bases into the intron before coding-DNA position 2731, C replaced by T.
Molecular consequence: intron variant.
Genome position (GRCh38, 1-based): chr10:43,121,935, C>T. VCF-style: chr10-43121935-C-T. GRCh37 (hg19) VCF-style: chr10-43617383-C-T.
Other names: c.2731-11C>T (NM_020630.7, NM_001406743.1, NM_001406744.1 and 2 more transcripts); c.2596-11C>T (NM_001406765.1, NM_001406763.1); c.2335-11C>T (NM_001406772.1, NM_001406769.1); c.2293-11C>T (NM_001406773.1, NM_001406771.1); c.1834-11C>T (NM_001406782.1, NM_001406780.1, NM_001406779.1 and 1 more transcripts); c.1699-11C>T (NM_001406787.1); c.1714-11C>T (NM_001406785.1); c.2602-11C>T (NM_001406764.1, NM_001406762.1, NM_001406761.1); and 10 more.
Identifiers: ClinVar variation 2097022 (VCV002097022.6), dbSNP rs566489997, ClinGen allele CA2580081524.

ClinVar aggregate classification (germline): Likely benign. Review status: criteria provided, multiple submitters, no conflicts (2 of 4 stars). 3 submissions from 3 submitters: Likely benign (3). Last evaluated 2025-02-27.

Conditions:
Multiple endocrine neoplasia type 2A. Also called: MULTIPLE ENDOCRINE NEOPLASIA, TYPE IIA; PTC SYNDROME; SIPPLE SYNDROME; MEN 2A; MEN-2A syndrome; Pheochromocytoma and amyloid producing medullary thyroid carcinoma. Identifiers: Orphanet 247698, Orphanet 653, MedGen C0025268, MeSH D018813, MONDO:0008234, OMIM 171400.
Multiple endocrine neoplasia, type 2 (MEN2). Identifiers: Orphanet 653, MedGen C4048306, MONDO:0019003. Disease mechanism: gain of function.

gnomAD v4.1: 2 of 1,606,328 alleles (0.00012%); highest among the groups gnomAD compares: East Asian, 0.0022%; no homozygotes.

Submissions (3):

Myriad Genetics, Inc.
Classification: Likely benign for Multiple endocrine neoplasia type 2A. Last evaluated: 2025-02-27. Review status: criteria provided, single submitter. Criteria: Myriad Autosomal Dominant, Autosomal Recessive and X-Linked Classification Criteria (2023). Collection method: clinical testing. Allele origin: unknown.
Comment: This variant is considered likely benign. This variant is intronic and is not expected to impact mRNA splicing.

Labcorp Genetics (formerly Invitae), Labcorp
Classification: Likely benign for Multiple endocrine neoplasia, type 2. Last evaluated: 2024-04-29. Review status: criteria provided, single submitter. Criteria: Invitae Variant Classification Sherloc (09022015). Collection method: clinical testing. Allele origin: germline.

All of Us Research Program, National Institutes of Health
Classification: Likely benign for Multiple endocrine neoplasia, type 2. Last evaluated: 2023-11-02. Review status: criteria provided, single submitter. Criteria: ACMG Guidelines, 2015. Collection method: clinical testing. Allele origin: germline. Inheritance: Autosomal dominant inheritance. Observed: 1 variant allele, 1 heterozygote.
Comment: This study involves interpretation of variants in research participants for the purpose of population health screening. Participant phenotype was not available at the time of variant classification. Additional details can be found in publication PMID: 35346344, PMCID: PMC8962531